The following is an entry in ClinVar:

NM_006231.4(POLE):c.4709G>A (p.Arg1570Gln)

Gene: POLE (DNA polymerase epsilon, catalytic subunit; minus strand). Cytogenetic location: 12q24.33.
Variant type: single nucleotide variant.
Coding change: c.4709G>A on transcript NM_006231.4 (MANE Select); coding-DNA position 4709, G replaced by A.
Protein change: p.Arg1570Gln; replaces arginine 1570 with glutamine.
Molecular consequence: missense variant.
Genome position (GRCh38, 1-based): chr12:132,642,839, C>T on the plus strand (G>A on the coding strand, the complement: POLE is on the minus strand). VCF-style: chr12-132642839-C-T. GRCh37 (hg19) VCF-style: chr12-133219425-C-T.
Other names: short protein forms R1570Q.
Identifiers: ClinVar variation 661848 (VCV000661848.12), dbSNP rs1593731992, ClinGen allele CA387378655.

ClinVar aggregate classification (germline): Uncertain significance. Review status: criteria provided, multiple submitters, no conflicts (2 of 4 stars). 3 submissions from 3 submitters: Uncertain significance (3). Last evaluated 2025-06-27.

Conditions:
Hereditary cancer-predisposing syndrome. Also called: Neoplastic Syndromes, Hereditary; Tumor predisposition; Hereditary neoplastic syndrome; Hereditary Cancer Syndrome. Identifiers: Orphanet 140162, MedGen C0027672, MeSH D009386, MONDO:0015356.

Allele frequency attached by ClinVar (database versions not stated): TOPMed below 0.00001.
gnomAD v4.1: 6 of 1,614,046 alleles (0.00037%); highest among the groups gnomAD compares: East Asian, 0.0022%; no homozygotes.

Submissions (3):

Labcorp Genetics (formerly Invitae), Labcorp
Classification: Uncertain significance. Last evaluated: 2025-06-27. Review status: criteria provided, single submitter. Criteria: Invitae Variant Classification Sherloc (09022015). Collection method: clinical testing. Allele origin: germline.
Comment: This sequence change replaces arginine, which is basic and polar, with glutamine, which is neutral and polar, at codon 1570 of the POLE protein (p.Arg1570Gln). This variant is not present in population databases (gnomAD no frequency). This missense change has been observed in individual(s) with colorectal cancer (PMID: 29987844). ClinVar contains an entry for this variant (Variation ID: 661848). Invitae Evidence Modeling of protein sequence and biophysical properties (such as structural, functional, and spatial information, amino acid conservation, physicochemical variation, residue mobility, and thermodynamic stability) indicates that this missense variant is not expected to disrupt POLE protein function with a negative predictive value of 80%. In summary, the available evidence is currently insufficient to determine the role of this variant in disease. Therefore, it has been classified as a Variant of Uncertain Significance.

Ambry Genetics
Classification: Uncertain significance for Hereditary cancer-predisposing syndrome. Last evaluated: 2025-02-08. Review status: criteria provided, single submitter. Criteria: Ambry Variant Classification Scheme 2023. Collection method: clinical testing. Allele origin: germline.
Comment: The p.R1570Q variant (also known as c.4709G>A), located in coding exon 36 of the POLE gene, results from a G to A substitution at nucleotide position 4709. The arginine at codon 1570 is replaced by glutamine, an amino acid with highly similar properties. This amino acid position is highly conserved in available vertebrate species. In addition, the in silico prediction for this alteration is inconclusive. Based on the available evidence, the clinical significance of this variant remains unclear.

GeneDx
Classification: Uncertain significance. Last evaluated: 2019-11-26. Review status: criteria provided, single submitter. Criteria: GeneDx Variant Classification Process June 2021. Collection method: clinical testing. Allele origin: germline. Affected: yes.
Comment: Not observed in large population cohorts (Lek 2016); In silico analysis, which includes protein predictors and evolutionary conservation, supports a deleterious effect; Observed in individuals with colon cancer (Kayser 2018); This variant is associated with the following publications: (PMID: 29987844, 26878173)

Literature cited by the submitters: PubMed 29987844 (cited by Labcorp Genetics (formerly Invitae), Labcorp).